The following is an entry in ClinVar:

NM_170707.4(LMNA):c.40G>A (p.Ala14Thr)

Genes: LMNA (lamin A/C; plus strand), LOC129931597 (ATAC-STARR-seq lymphoblastoid silent region 1421; plus strand). Cytogenetic location: 1q22.
Variant type: single nucleotide variant.
Coding change: c.40G>A on transcript NM_170707.4 (MANE Select); coding-DNA position 40, G replaced by A.
Protein change: p.Ala14Thr; replaces alanine 14 with threonine.
Molecular consequence: missense variant.
Genome position (GRCh38, 1-based): chr1:156,114,958, G>A. VCF-style: chr1-156114958-G-A. GRCh37 (hg19) VCF-style: chr1-156084749-G-A.
Other names: c.40G>A, p.Ala14Thr (NM_001282625.2, NM_001282626.2, NM_001406983.1 and 6 more transcripts); c.-384G>A (NM_001406986.1); c.-362G>A (NM_001406990.1, NM_001406995.1, NM_001407002.1); c.-625G>A (NM_001406994.1, NM_001407000.1); c.-805G>A (NM_001406999.1); c.-468G>A (NM_001407001.1); short protein forms A14T.
Identifiers: ClinVar variation 1904542 (VCV001904542.6), dbSNP rs755617982, ClinGen allele CA053373.

ClinVar aggregate classification (germline): Uncertain significance. Review status: criteria provided, multiple submitters, no conflicts (2 of 4 stars). 3 submissions from 3 submitters: Uncertain significance (3). Last evaluated 2026-08-01.

Conditions:
Charcot-Marie-Tooth disease type 2. Also called: Charcot-Marie-Tooth type 2. Identifiers: Orphanet 64746, MedGen C0270914, MONDO:0018993.
Cardiomyopathy (CMYO). Also called: Cardiomyopathies. Identifiers: Orphanet 167848, MedGen C0878544, MONDO:0004994, HP:0001638. Inheritance: Various modes of inheritance.

Allele frequency attached by ClinVar (database versions not stated): gnomAD exomes 0.00001; ExAC 0.00007.
gnomAD v4.1: 5 of 1,581,468 alleles (0.00032%); highest among the groups gnomAD compares: Admixed American, 0.0089%; no homozygotes.

Submissions (3):

CeGaT Center for Human Genetics Tuebingen
Classification: Uncertain significance. Last evaluated: 2026-08-01. Review status: criteria provided, single submitter. Criteria: CeGaT Center For Human Genetics Tuebingen Variant Classification Criteria Version 2. Collection method: clinical testing. Allele origin: germline. Affected: yes. Observed: 1 variant allele.
Comment: LMNA: PM2

Color Diagnostics, LLC DBA Color Health
Classification: Uncertain significance for Cardiomyopathy. Last evaluated: 2025-06-30. Review status: criteria provided, single submitter. Criteria: ACMG Guidelines, 2015. Collection method: clinical testing. Allele origin: germline.
Comment: This missense variant replaces alanine with threonine at codon 14 of the LMNA protein. Computational prediction suggests that this variant may not impact protein structure and function. To our knowledge, functional studies have not been reported for this variant. This variant has not been reported in individuals affected with LMNA-related disorders in the literature. This variant has been identified in 5/196476 chromosomes in the general population by the Genome Aggregation Database (gnomAD). The available evidence is insufficient to determine the role of this variant in disease conclusively. Therefore, this variant is classified as a Variant of Uncertain Significance.

Labcorp Genetics (formerly Invitae), Labcorp
Classification: Uncertain significance for Charcot-Marie-Tooth disease type 2. Last evaluated: 2023-08-03. Review status: criteria provided, single submitter. Criteria: Invitae Variant Classification Sherloc (09022015). Collection method: clinical testing. Allele origin: germline.
Comment: This sequence change replaces alanine, which is neutral and non-polar, with threonine, which is neutral and polar, at codon 14 of the LMNA protein (p.Ala14Thr). This variant is present in population databases (rs755617982, gnomAD 0.01%). This variant has not been reported in the literature in individuals affected with LMNA-related conditions. ClinVar contains an entry for this variant (Variation ID: 1904542). Advanced modeling of protein sequence and biophysical properties (such as structural, functional, and spatial information, amino acid conservation, physicochemical variation, residue mobility, and thermodynamic stability) has been performed at Invitae for this missense variant, however the output from this modeling did not meet the statistical confidence thresholds required to predict the impact of this variant on LMNA protein function. In summary, the available evidence is currently insufficient to determine the role of this variant in disease. Therefore, it has been classified as a Variant of Uncertain Significance.